The following is an entry in ClinVar:

NM_000143.4(FH):c.290G>T (p.Gly97Val)

Gene: FH (fumarate hydratase; minus strand). Cytogenetic location: 1q43.
Variant type: single nucleotide variant.
Coding change: c.290G>T on transcript NM_000143.4 (MANE Select); coding-DNA position 290, G replaced by T.
Protein change: p.Gly97Val; replaces glycine 97 with valine.
Molecular consequence: missense variant.
Genome position (GRCh38, 1-based): chr1:241,513,691, C>A on the plus strand (G>T on the coding strand, the complement: FH is on the minus strand). VCF-style: chr1-241513691-C-A. GRCh37 (hg19) VCF-style: chr1-241676991-C-A.
Other names: short protein forms G97V.
Identifiers: ClinVar variation 3719069 (VCV003719069.2).

ClinVar aggregate classification (germline): Uncertain significance (1 of 4 stars; one submission).

gnomAD v4.1: 1 of 1,613,946 alleles (0.000062%); highest among the groups gnomAD compares: Non-Finnish European, 0.000085%; no homozygotes.

Submission:

Labcorp Genetics (formerly Invitae), Labcorp
Classification: Uncertain significance. Last evaluated: 2025-08-06. Review status: criteria provided, single submitter. Criteria: Invitae Variant Classification Sherloc (09022015). Collection method: clinical testing. Allele origin: germline.
Comment: This sequence change replaces glycine, which is neutral and non-polar, with valine, which is neutral and non-polar, at codon 97 of the FH protein (p.Gly97Val). This variant is not present in population databases (gnomAD no frequency). This missense change has been observed in individual(s) with clinical features of hereditary leiomyomatosis and renal cell cancer (internal data). ClinVar contains an entry for this variant (Variation ID: 3719069). Invitae Evidence Modeling of protein sequence and biophysical properties (such as structural, functional, and spatial information, amino acid conservation, physicochemical variation, residue mobility, and thermodynamic stability) indicates that this missense variant is expected to disrupt FH protein function with a positive predictive value of 95%. This variant disrupts the p.Gly97 amino acid residue in FH. Other variant(s) that disrupt this residue have been observed in individuals with FH-related conditions (PMID: 38928693; internal data), which suggests that this may be a clinically significant amino acid residue. In summary, the available evidence is currently insufficient to determine the role of this variant in disease. Therefore, it has been classified as a Variant of Uncertain Significance.

Literature cited by the submitters: PubMed 38928693.